The following is an entry in ClinVar:

ClinVar aggregate classification (germline): Uncertain significance (1 of 4 stars; one submission).

Conditions:
Fabry disease. Also called: ALPHA-GALACTOSIDASE A DEFICIENCY; ANDERSON-FABRY DISEASE; CERAMIDE TRIHEXOSIDASE DEFICIENCY; GLA DEFICIENCY; HEREDITARY DYSTOPIC LIPIDOSIS; Angiokeratoma corporis diffusum. Identifiers: Orphanet 324, MedGen C0002986, MONDO:0010526, OMIM 301500, HP:0001071. Disease mechanism: Fabry disease is due to inactivating mutations in the X-linked GLA gene resulting in deficiency of the enzyme Alpha Galactosidase-A., loss of function.

Submission:

Genomenon, Inc
Classification: Uncertain significance for Fabry disease. Last evaluated: 2026-09-08. Review status: criteria provided, single submitter. Criteria: Genomenon Sequence Variant Interpretation Standards - Updated. Collection method: curation. Allele origin: germline. Affected: yes.
Comment: GLA p.Ser304_Leu310del (c.910_930del) is an in-frame deletion that results in the loss of multiple amino acids, from Serine at codon 304 to Leucine at codon 310. This variant has been observed in at least one proband with clinical features consistent with Fabry disease (PMID:31213654). Functional or patient cell studies have been reported (PMID:31213654;33016649). It is absent or not present at a significant frequency in gnomAD. In conclusion, we classify GLA p.Ser304_Leu310del (c.910_930del) as a variant of uncertain significance.

Literature cited by the submitters: PubMed 31213654; PubMed 33016649.

NM_000169.3(GLA):c.910_930del (p.Ser304_Leu310del)

Genes: GLA (galactosidase alpha; minus strand), RPL36A-HNRNPH2 (RPL36A-HNRNPH2 readthrough; plus strand). Cytogenetic location: Xq22.1.
Variant type: Deletion.
Coding change: c.910_930del on transcript NM_000169.3 (MANE Select); coding-DNA positions 910 to 930, 21 bases deleted (AGCCCTCAAGCCAAAGCTCTC).
Protein change: p.Ser304_Leu310del.
Molecular consequence: inframe deletion. On other transcripts: non-coding transcript variant (3), intron variant (2).
Genome position (GRCh38, 1-based): chrX:101,398,439-101,398,459, GAGAGCTTTGGCTTGAGGGCT deleted on the plus strand (AGCCCTCAAGCCAAAGCTCTC on the coding strand, the reverse complement: GLA is on the minus strand); deleting any 21 consecutive bases within chrX:101,398,439-101,398,461 gives the same sequence; the c. name uses the placement nearest the transcript's 3' end. VCF-style (leftmost placement, unchanged base first): chrX-101398438-GGAGAGCTTTGGCTTGAGGGCT-G. GRCh37 (hg19) VCF-style: chrX-100653426-GGAGAGCTTTGGCTTGAGGGCT-G.
Other names: c.1033_1053del, p.Ser345_Leu351del (NM_001406747.1); c.910_930del, p.Ser304_Leu310del (NM_001406748.1); c.300+2984_300+3004del (NM_001199973.2); c.177+6619_177+6639del (NM_001199974.2).
Identifiers: ClinVar variation 4087134 (VCV004087134.2).